The following is an entry in ClinVar:

NM_018294.6(CWF19L1):c.293G>A (p.Arg98His)

Gene: CWF19L1 (CWF19 like cell cycle control factor 1; minus strand). Cytogenetic location: 10q24.31.
Variant type: single nucleotide variant.
Coding change: c.293G>A on transcript NM_018294.6 (MANE Select); coding-DNA position 293, G replaced by A.
Protein change: p.Arg98His; replaces arginine 98 with histidine.
Molecular consequence: missense variant. On other transcripts: 5 prime UTR variant (2), intron variant (1).
Genome position (GRCh38, 1-based): chr10:100,256,473, C>T on the plus strand (G>A on the coding strand, the complement: CWF19L1 is on the minus strand). VCF-style: chr10-100256473-C-T. GRCh37 (hg19) VCF-style: chr10-102016230-C-T.
Other names: p.Arg98His; c.293G>A, p.Arg98His (NM_001303404.2); c.-119G>A (NM_001303405.2, NM_001303406.2); c.-231-2934G>A (NM_001303407.2); short protein forms R98H.
Identifiers: ClinVar variation 2351552 (VCV002351552.5), dbSNP rs549226093, ClinGen allele CA5647195.

ClinVar aggregate classification (germline): Uncertain significance. Review status: criteria provided, multiple submitters, no conflicts (2 of 4 stars). 2 submissions from 2 submitters: Uncertain significance (2). Last evaluated 2025-06-03.

Conditions:
Inborn genetic diseases. Identifiers: MedGen C0950123, MeSH D030342.

Allele frequency attached by ClinVar (database versions not stated): ExAC 0.00010; TOPMed 0.00011; 1000 Genomes Project 30x 0.00016; gnomAD 0.00014; 1000 Genomes Project 0.00020.
gnomAD v4.1: 278 of 1,613,936 alleles (0.017%); highest among the groups gnomAD compares: Non-Finnish European, 0.021%; no homozygotes.

Submissions (2):

Ambry Genetics
Classification: Uncertain significance for Inborn genetic diseases. Last evaluated: 2025-06-03. Review status: criteria provided, single submitter. Criteria: Ambry Variant Classification Scheme 2023. Collection method: clinical testing. Allele origin: germline.

Mayo Clinic Laboratories, Mayo Clinic
Classification: Uncertain significance. Last evaluated: 2025-02-18. Review status: criteria provided, single submitter. Criteria: ACMG Guidelines, 2015. Collection method: clinical testing. Allele origin: germline. Observed: 2 variant alleles.
Comment: BP4_moderate